The following is an entry in ClinVar:

NM_001330078.2(NRXN1):c.4128+3G>A

Gene: NRXN1 (neurexin 1; minus strand). Cytogenetic location: 2p16.3.
Variant type: single nucleotide variant.
Coding change: c.4128+3G>A on transcript NM_001330078.2 (MANE Select); 3 bases into the intron after coding-DNA position 4128, G replaced by A.
Molecular consequence: intron variant.
Genome position (GRCh38, 1-based): chr2:50,053,268, C>T on the plus strand (G>A on the coding strand, the complement: NRXN1 is on the minus strand). VCF-style: chr2-50053268-C-T. GRCh37 (hg19) VCF-style: chr2-50280406-C-T.
Other names: c.3927+3G>A (NM_001330096.2, NM_001330087.2); c.3972+3G>A (NM_001330083.2); c.4062+3G>A (NM_001330084.2); c.3957+3G>A (NM_001330088.2); c.4125+3G>A (NM_001330093.2); c.4116+3G>A (NM_001330094.2); c.3987+3G>A (NM_001330095.2); c.4104+3G>A (NM_001330082.2, NM_001330077.2); and 6 more.
Identifiers: ClinVar variation 848168 (VCV000848168.9), dbSNP rs1274997363, ClinGen allele CA769776656.
Genomic context (GRCh38, chr2:50,053,268, plus strand): 5'-AGAAAAGCCCACTATCATAAATAATATAGGATGAAAATGAAGGAATAAAATCCACAGGCT[C>T]ACCTGGCTAATGGGTTCTTTTGTCGGGGGCTTTCCTCTTCTGGCTGTGCTAGTAGCCAGG-3'

ClinVar aggregate classification (germline): Uncertain significance. Review status: criteria provided, multiple submitters, no conflicts (2 of 4 stars). 2 submissions from 2 submitters: Uncertain significance (2). Last evaluated 2023-08-28.

Conditions:
Pitt-Hopkins-like syndrome 2 (PTHSL2). Identifiers: Orphanet 221150, Orphanet 600663, MedGen C3280479, MONDO:0013690, OMIM 614325.

Allele frequency attached by ClinVar (database versions not stated): gnomAD exomes below 0.00001; TOPMed below 0.00001; gnomAD 0.00001.
gnomAD v4.1: 2 of 1,613,746 alleles (0.00012%); highest among the groups gnomAD compares: Admixed American, 0.0017%; no homozygotes.

Submissions (2):

Labcorp Genetics (formerly Invitae), Labcorp
Classification: Uncertain significance for Pitt-Hopkins-like syndrome 2. Last evaluated: 2023-08-28. Review status: criteria provided, single submitter. Criteria: Invitae Variant Classification Sherloc (09022015). Collection method: clinical testing. Allele origin: germline.
Comment: This sequence change falls in intron 22 of the NRXN1 gene. It does not directly change the encoded amino acid sequence of the NRXN1 protein. It affects a nucleotide within the consensus splice site. This variant is not present in population databases (gnomAD no frequency). This variant has not been reported in the literature in individuals affected with NRXN1-related conditions. ClinVar contains an entry for this variant (Variation ID: 848168). Variants that disrupt the consensus splice site are a relatively common cause of aberrant splicing (PMID: 17576681, 9536098). Algorithms developed to predict the effect of sequence changes on RNA splicing suggest that this variant is not likely to affect RNA splicing. In summary, the available evidence is currently insufficient to determine the role of this variant in disease. Therefore, it has been classified as a Variant of Uncertain Significance.

Laboratorio de Genetica e Diagnostico Molecular, Hospital Israelita Albert Einstein
Classification: Uncertain significance. Last evaluated: 2019-10-21. Review status: criteria provided, single submitter. Criteria: ACMG Guidelines, 2015. Collection method: clinical testing. Allele origin: germline. Affected: yes.
Comment: ACMG classification criteria: PM2

Literature cited by the submitters: PubMed 17576681 (cited by Labcorp Genetics (formerly Invitae), Labcorp); PubMed 9536098 (cited by Labcorp Genetics (formerly Invitae), Labcorp).